The following is an entry in ClinVar:

NM_005660.3(SLC35A2):c.769G>A (p.Ala257Thr)

Gene: SLC35A2 (solute carrier family 35 member A2; minus strand). Cytogenetic location: Xp11.23.
Variant type: single nucleotide variant.
Coding change: c.769G>A on transcript NM_005660.3 (MANE Select); coding-DNA position 769, G replaced by A.
Protein change: p.Ala257Thr; replaces alanine 257 with threonine.
Molecular consequence: missense variant. On other transcripts: intron variant (3).
Genome position (GRCh38, 1-based): chrX:48,905,140, C>T on the plus strand (G>A on the coding strand, the complement: SLC35A2 is on the minus strand). VCF-style: chrX-48905140-C-T. GRCh37 (hg19) VCF-style: chrX-48762417-C-T.
Other names: c.769G>A, p.Ala257Thr (NM_001042498.3); c.586G>A, p.Ala196Thr (NM_001282649.2); c.808G>A, p.Ala270Thr (NM_001282650.2); c.853G>A, p.Ala285Thr (NM_001282651.2); c.427-248G>A (NM_001282647.2, NM_001032289.3); c.355-248G>A (NM_001282648.2); short protein forms A270T, A285T, A196T, A257T.
Identifiers: ClinVar variation 1391175 (VCV001391175.6), dbSNP rs2063480406, ClinGen allele CA412895258.

ClinVar aggregate classification (germline): Uncertain significance (1 of 4 stars; one submission).

Conditions:
SLC35A2-congenital disorder of glycosylation. Also called: CONGENITAL DISORDER OF GLYCOSYLATION, TYPE IIm; CDG IIm; CONGENITAL DISORDER OF GLYCOSYLATION, TYPE IIm, SOMATIC MOSAIC; SLC35A2-CDG; EPILEPTIC ENCEPHALOPATHY, EARLY INFANTILE, 22; DEVELOPMENTAL AND EPILEPTIC ENCEPHALOPATHY 22. Identifiers: Orphanet 356961, MedGen C3806688, MONDO:0010478, OMIM 300896.

Allele frequency attached by ClinVar (database versions not stated): gnomAD exomes below 0.00001.

Submission:

Labcorp Genetics (formerly Invitae), Labcorp
Classification: Uncertain significance for SLC35A2-congenital disorder of glycosylation. Last evaluated: 2022-06-05. Review status: criteria provided, single submitter. Criteria: Invitae Variant Classification Sherloc (09022015). Collection method: clinical testing. Allele origin: germline.
Comment: In summary, the available evidence is currently insufficient to determine the role of this variant in disease. Therefore, it has been classified as a Variant of Uncertain Significance. Algorithms developed to predict the effect of missense changes on protein structure and function (SIFT, PolyPhen-2, Align-GVGD) all suggest that this variant is likely to be tolerated. ClinVar contains an entry for this variant (Variation ID: 1391175). This variant has not been reported in the literature in individuals affected with SLC35A2-related conditions. This variant is not present in population databases (gnomAD no frequency). This sequence change replaces alanine, which is neutral and non-polar, with threonine, which is neutral and polar, at codon 257 of the SLC35A2 protein (p.Ala257Thr).